The following is an entry in ClinVar:

ClinVar aggregate classification (germline): Uncertain significance (1 of 4 stars; one submission).

Submission:

Labcorp Genetics (formerly Invitae), Labcorp
Classification: Uncertain significance. Last evaluated: 2023-10-22. Review status: criteria provided, single submitter. Criteria: Invitae Variant Classification Sherloc (09022015). Collection method: clinical testing. Allele origin: germline.
Comment: This sequence change replaces valine, which is neutral and non-polar, with alanine, which is neutral and non-polar, at codon 528 of the PACS2 protein (p.Val528Ala). This variant is not present in population databases (gnomAD no frequency). This variant has not been reported in the literature in individuals affected with PACS2-related conditions. Advanced modeling of protein sequence and biophysical properties (such as structural, functional, and spatial information, amino acid conservation, physicochemical variation, residue mobility, and thermodynamic stability) performed at Invitae indicates that this missense variant is expected to disrupt PACS2 protein function. In summary, the available evidence is currently insufficient to determine the role of this variant in disease. Therefore, it has been classified as a Variant of Uncertain Significance.

NM_001100913.3(PACS2):c.1583T>C (p.Val528Ala)

Gene: PACS2 (phosphofurin acidic cluster sorting protein 2; plus strand). Cytogenetic location: 14q32.33.
Variant type: single nucleotide variant.
Coding change: c.1583T>C on transcript NM_001100913.3 (MANE Select); coding-DNA position 1583, T replaced by C.
Protein change: p.Val528Ala; replaces valine 528 with alanine.
Molecular consequence: missense variant.
Genome position (GRCh38, 1-based): chr14:105,382,871, T>C. VCF-style: chr14-105382871-T-C. GRCh37 (hg19) VCF-style: chr14-105849208-T-C.
Other names: c.1346T>C, p.Val449Ala (NM_001243127.3); c.1571T>C, p.Val524Ala (NM_015197.4); short protein forms V449A, V524A, V528A.
Identifiers: ClinVar variation 2765407 (VCV002765407.3), dbSNP rs2544813586, ClinGen allele CA391182812.